The following is an entry in ClinVar:

ClinVar aggregate classification (germline): Uncertain significance. Review status: criteria provided, multiple submitters, no conflicts (2 of 4 stars). 2 submissions from 2 submitters: Uncertain significance (2). Last evaluated 2025-08-28.

Conditions:
Inborn genetic diseases. Identifiers: MedGen C0950123, MeSH D030342.

gnomAD v4.1: 1 of 1,568,460 alleles (0.000064%); highest among the groups gnomAD compares: Non-Finnish European, 0.000088%; no homozygotes.

Submissions (2):

Ambry Genetics
Classification: Uncertain significance for Inborn genetic diseases. Last evaluated: 2025-08-28. Review status: criteria provided, single submitter. Criteria: Ambry Variant Classification Scheme 2023. Collection method: clinical testing. Allele origin: germline.

GeneDx
Classification: Uncertain significance. Last evaluated: 2024-04-17. Review status: criteria provided, single submitter. Criteria: GeneDx Variant Classification Process June 2021. Collection method: clinical testing. Allele origin: germline. Affected: yes.
Comment: In silico analysis supports that this missense variant has a deleterious effect on protein structure/function; This variant is associated with the following publications: (PMID: 27899578, 34613789)

NM_014516.4(CNOT3):c.868C>T (p.Arg290Cys)

Gene: CNOT3 (CCR4-NOT transcription complex subunit 3; plus strand). Cytogenetic location: 19q13.42.
Variant type: single nucleotide variant.
Coding change: c.868C>T on transcript NM_014516.4 (MANE Select); coding-DNA position 868, C replaced by T.
Protein change: p.Arg290Cys; replaces arginine 290 with cysteine.
Molecular consequence: missense variant.
Genome position (GRCh38, 1-based): chr19:54,146,631, C>T. VCF-style: chr19-54146631-C-T. GRCh37 (hg19) VCF-style: chr19-54650367-C-T.
Other names: short protein forms R290C.
Identifiers: ClinVar variation 3372733 (VCV003372733.2).